The following is an entry in ClinVar:

ClinVar aggregate classification (germline): Likely pathogenic (1 of 4 stars; one submission).

Conditions:
Kennedy disease (SMAX1). Also called: SPINAL AND BULBAR MUSCULAR ATROPHY, X-LINKED 1; KENNEDY SPINAL AND BULBAR MUSCULAR ATROPHY; Spinal and Bulbar Muscular Atrophy. Identifiers: Orphanet 481, MedGen C1839259, MONDO:0010735, OMIM 313200.
Androgen resistance syndrome (AIS). Also called: DHTR DEFICIENCY; DIHYDROTESTOSTERONE RECEPTOR DEFICIENCY; ANDROGEN RECEPTOR DEFICIENCY; TESTICULAR FEMINIZATION SYNDROME; Androgen insensitivity syndrome; Androgen insensitivity. Identifiers: Orphanet 754, Orphanet 99429, MedGen C0039585, MONDO:0019154, OMIM 300068. Disease mechanism: loss of function.

Submission:

Labcorp Genetics (formerly Invitae), Labcorp
Classification: Likely pathogenic for Kennedy disease; Androgen resistance syndrome. Last evaluated: 2023-08-17. Review status: criteria provided, single submitter. Criteria: Invitae Variant Classification Sherloc (09022015). Collection method: clinical testing. Allele origin: germline.
Comment: This variant disrupts the p.Leu723 amino acid residue in AR. Other variant(s) that disrupt this residue have been observed in individuals with AR-related conditions (PMID: 32985417), which suggests that this may be a clinically significant amino acid residue. In summary, the currently available evidence indicates that the variant is pathogenic, but additional data are needed to prove that conclusively. Therefore, this variant has been classified as Likely Pathogenic. Experimental studies have shown that this missense change affects AR function (PMID: 23774508). This sequence change replaces leucine, which is neutral and non-polar, with phenylalanine, which is neutral and non-polar, at codon 723 of the AR protein (p.Leu723Phe). This variant is not present in population databases (gnomAD no frequency). This missense change has been observed in individuals with androgen insensitivity syndrome (PMID: 8723113, 23774508; Invitae). This variant is also known as 722Leu-Phe. Advanced modeling of protein sequence and biophysical properties (such as structural, functional, and spatial information, amino acid conservation, physicochemical variation, residue mobility, and thermodynamic stability) has been performed at Invitae for this missense variant, however the output from this modeling did not meet the statistical confidence thresholds required to predict the impact of this variant on AR protein function.

Literature cited by the submitters: PubMed 32985417; PubMed 23774508; PubMed 8723113.

NM_000044.6(AR):c.2169G>T (p.Leu723Phe)

Gene: AR (androgen receptor; plus strand). Cytogenetic location: Xq12.
Variant type: single nucleotide variant.
Coding change: c.2169G>T on transcript NM_000044.6 (MANE Select); coding-DNA position 2169, G replaced by T.
Protein change: p.Leu723Phe; replaces leucine 723 with phenylalanine.
Molecular consequence: missense variant.
Genome position (GRCh38, 1-based): chrX:67,711,685, G>T. VCF-style: chrX-67711685-G-T. GRCh37 (hg19) VCF-style: chrX-66931527-G-T.
Other names: c.573G>T, p.Leu191Phe (NM_001011645.3); c.2172G>T, p.Leu724Phe (NM_001424175.1); short protein forms L723F, L724F, L191F.
Identifiers: ClinVar variation 2925677 (VCV002925677.3), dbSNP rs2147525351, ClinGen allele CA413423563.